The following is an entry in ClinVar:

NM_002941.4(ROBO1):c.455dup (p.Tyr152Ter)

Gene: ROBO1 (roundabout guidance receptor 1; minus strand). Cytogenetic location: 3p12.3.
Variant type: Duplication.
Coding change: c.455dup on transcript NM_002941.4 (MANE Select); coding-DNA position 455, one base duplicated (A; older notation c.455dupA).
Protein change: p.Tyr152Ter; replaces tyrosine 152 with a stop codon.
Molecular consequence: nonsense. On other transcripts: frameshift variant (1).
Genome position (GRCh38, 1-based): chr3:78,938,645, T duplicated on the plus strand (A on the coding strand, the reverse complement: ROBO1 is on the minus strand). VCF-style (leftmost placement, unchanged base first): chr3-78938644-G-GT. GRCh37 (hg19) VCF-style: chr3-78987794-G-GT.
Other names: c.338dup, p.Tyr113Terfs (NM_001145844.1); c.338dup, p.Tyr113Ter (NM_001145845.2, NM_133631.4); short protein forms Y113*, Y152*.
Identifiers: ClinVar variation 3037653 (VCV003037653.2), dbSNP rs2546354841, ClinGen allele CA2740094504.

ClinVar aggregate classification (germline): Likely pathogenic (0 of 4 stars; one submission).

Conditions:
ROBO1-related disorder. Also called: ROBO1-related condition.

Submission:

PreventionGenetics, part of Exact Sciences
Classification: Likely pathogenic for ROBO1-related condition. Last evaluated: 2024-01-13. Review status: no assertion criteria provided. Collection method: clinical testing. Allele origin: germline.
Comment: The ROBO1 c.455dupA variant is predicted to result in premature protein termination (p.Tyr152*). To our knowledge, this variant has not been reported in the literature or in a large population database, indicating this variant is rare. Nonsense variants in ROBO1 are expected to be pathogenic for autosomal recessive ROBO1-related disorders. In relation to autosomal dominant ROBO1-related conditions, this variant's significance remains uncertain at this time. One other early termination change in the same exon has been reported as a de novo finding in a patient with ROBO1-related phenotypes, including tetralogy of Fallot (Kruszka et al. 2017. PubMed ID: 28592524). This variant is interpreted as likely pathogenic for autosomal recessive ROBO1 related conditions.